The following is an entry in ClinVar:

NM_015602.4(TOR1AIP1):c.531_532insTCA (p.Val177_Arg178insSer)

Gene: TOR1AIP1 (torsin 1A interacting protein 1; plus strand). Cytogenetic location: 1q25.2.
Variant type: Insertion.
Coding change: c.531_532insTCA on transcript NM_015602.4 (MANE Select); coding-DNA positions 531 to 532, TCA inserted.
Protein change: p.Val177_Arg178insSer.
Molecular consequence: inframe insertion.
Genome position: GRCh38 VCF-style: chr1-179884747-C-CTCA. GRCh37 (hg19) VCF-style: chr1-179853882-C-CTCA.
Other names: p.Val177_Arg178insSer; c.531_532insTCA, p.Val177_Arg178insSer (NM_001267578.2).
Identifiers: ClinVar variation 476286 (VCV000476286.16), dbSNP rs145521179, ClinGen allele CA1268817.

ClinVar aggregate classification (germline): Benign/Likely benign. Review status: criteria provided, multiple submitters, no conflicts (2 of 4 stars). 5 submissions from 5 submitters: Benign (1); Likely benign (4). Last evaluated 2025-11-27.

Conditions:
Autosomal recessive limb-girdle muscular dystrophy type 2Y (MRRSDC). Also called: Muscular dystrophy, autosomal recessive, with rigid spine and distal joint contractures; Muscular dystrophy, limb-girdle, type 2y. Identifiers: Orphanet 424261, MedGen C4511482, MONDO:0014900, OMIM 617072.

Allele frequency attached by ClinVar (database versions not stated): ESP Exome Variant Server 0.00016; gnomAD 0.00041 and 0.00070; gnomAD exomes 0.00046 and 0.00099; TOPMed 0.00087; ExAC 0.00107; 1000 Genomes Project 30x 0.00344; 1000 Genomes Project 0.00399.

Submissions (5):

Labcorp Genetics (formerly Invitae), Labcorp
Classification: Benign for Autosomal recessive limb-girdle muscular dystrophy type 2Y. Last evaluated: 2025-11-27. Review status: criteria provided, single submitter. Criteria: Invitae Variant Classification Sherloc (09022015). Collection method: clinical testing. Allele origin: germline.

Mayo Clinic Laboratories, Mayo Clinic
Classification: Likely benign. Last evaluated: 2025-04-15. Review status: criteria provided, single submitter. Criteria: ACMG Guidelines, 2015. Collection method: clinical testing. Allele origin: germline. Observed: 1 variant allele.
Comment: BA1

Blueprint Genetics
Classification: Likely benign. Last evaluated: 2024-09-17. Review status: criteria provided, single submitter. Criteria: ACMG Guidelines, 2015. Collection method: clinical testing. Allele origin: germline.

Genome-Nilou Lab
Classification: Likely benign for Autosomal recessive limb-girdle muscular dystrophy type 2Y. Last evaluated: 2023-04-11. Review status: criteria provided, single submitter. Criteria: ACMG Guidelines, 2015. Collection method: clinical testing. Allele origin: germline. Affected: no.

GeneDx
Classification: Likely benign. Last evaluated: 2019-02-16. Review status: criteria provided, single submitter. Criteria: GeneDx Variant Classification Process June 2021. Collection method: clinical testing. Allele origin: germline. Affected: yes.